The following is an entry in ClinVar:

ClinVar aggregate classification (germline): Uncertain significance. Review status: criteria provided, multiple submitters, no conflicts (2 of 4 stars). 2 submissions from 2 submitters: Uncertain significance (2). Last evaluated 2025-03-04.

Conditions:
Inborn genetic diseases. Identifiers: MedGen C0950123, MeSH D030342.

Allele frequency attached by ClinVar (database versions not stated): gnomAD exomes below 0.00001; gnomAD 0.00001; TOPMed 0.00001.
gnomAD v4.1: 2 of 1,612,712 alleles (0.00012%); highest among the groups gnomAD compares: Non-Finnish European, 0.000085%; no homozygotes.

Submissions (2):

Labcorp Genetics (formerly Invitae), Labcorp
Classification: Uncertain significance. Last evaluated: 2025-03-04. Review status: criteria provided, single submitter. Criteria: Invitae Variant Classification Sherloc (09022015). Collection method: clinical testing. Allele origin: germline.
Comment: This sequence change replaces alanine, which is neutral and non-polar, with aspartic acid, which is acidic and polar, at codon 879 of the ATR protein (p.Ala879Asp). The frequency data for this variant in the population databases is considered unreliable, as metrics indicate poor data quality at this position in the gnomAD database. This variant has not been reported in the literature in individuals affected with ATR-related conditions. ClinVar contains an entry for this variant (Variation ID: 1367550). An algorithm developed to predict the effect of missense changes on protein structure and function (PolyPhen-2) suggests that this variant is likely to be disruptive. In summary, the available evidence is currently insufficient to determine the role of this variant in disease. Therefore, it has been classified as a Variant of Uncertain Significance.

Ambry Genetics
Classification: Uncertain significance for Inborn genetic diseases. Last evaluated: 2022-11-17. Review status: criteria provided, single submitter. Criteria: Ambry Variant Classification Scheme 2023. Collection method: clinical testing. Allele origin: germline.

NM_001184.4(ATR):c.2636C>A (p.Ala879Asp)

Gene: ATR (ATR checkpoint kinase; minus strand). Cytogenetic location: 3q23.
Variant type: single nucleotide variant.
Coding change: c.2636C>A on transcript NM_001184.4 (MANE Select); coding-DNA position 2636, C replaced by A.
Protein change: p.Ala879Asp; replaces alanine 879 with aspartic acid.
Molecular consequence: missense variant.
Genome position (GRCh38, 1-based): chr3:142,553,396, G>T on the plus strand (C>A on the coding strand, the complement: ATR is on the minus strand). VCF-style: chr3-142553396-G-T. GRCh37 (hg19) VCF-style: chr3-142272238-G-T.
Other names: c.2444C>A, p.Ala815Asp (NM_001354579.2); c.2636C>A (NM_001184.3); short protein forms A815D, A879D.
Identifiers: ClinVar variation 1367550 (VCV001367550.8), dbSNP rs1226032953, ClinGen allele CA354814953.
Genomic context (GRCh38, chr3:142,553,396, plus strand): 5'-TTGGATAACAAACAATGCAATAAGTGTAAGAGTGCAAATGGTACCAAATCTCCTTTTGCG[G>T]CCCTAAAATTAAAAACAACATACATATGAATACACAAACACACACACACACACACACACA-3'
Protein context (NP_001175.2, residues 869-889): LILTTGDIGR[Ala879Asp]AKGDLVPFAL